The following is an entry in ClinVar:

ClinVar aggregate classification (germline): Conflicting classifications of pathogenicity. Review status: criteria provided, conflicting classifications (1 of 4 stars). 4 submissions from 4 submitters: Uncertain significance (3); Likely benign (1). Last evaluated 2025-03-07.

Conditions:
Autosomal recessive Alport syndrome (ATS2). Also called: COL4A4 Alport Syndrome and Thin Basement Membrane Nephropathy; ALPORT SYNDROME 2, AUTOSOMAL RECESSIVE; Alport syndrome type 2; COL4A3-Related Nephropathy. Identifiers: Orphanet 63, Orphanet 88919, MedGen C4746745, MONDO:0008762, OMIM 203780.
Hematuria, benign familial, 1 (BFH1). Also called: THIN MEMBRANE NEPHROPATHY. Identifiers: MedGen CN376803, MONDO:0007709, OMIM 141200.

Allele frequency attached by ClinVar (database versions not stated): gnomAD exomes below 0.00001 and 0.00002; ExAC 0.00001.
gnomAD v4.1: 2 of 1,614,094 alleles (0.00012%); highest among the groups gnomAD compares: East Asian, 0.0045%; no homozygotes.

Submissions (4):

3billion
Classification: Uncertain significance for Autosomal recessive Alport syndrome. Last evaluated: 2025-03-07. Review status: criteria provided, single submitter. Criteria: ACMG Guidelines, 2015. Collection method: clinical testing. Allele origin: germline. Affected: yes.

Fulgent Genetics
Classification: Uncertain significance for Hematuria, benign familial, 1; Autosomal recessive Alport syndrome. Last evaluated: 2024-04-11. Review status: criteria provided, single submitter. Criteria: ACMG Guidelines, 2015. Collection method: clinical testing. Allele origin: germline.

Labcorp Genetics (formerly Invitae), Labcorp
Classification: Likely benign. Last evaluated: 2023-12-18. Review status: criteria provided, single submitter. Criteria: Invitae Variant Classification Sherloc (09022015). Collection method: clinical testing. Allele origin: germline.

Molecular Genetics, Royal Melbourne Hospital
Classification: Uncertain significance for Autosomal recessive Alport syndrome. Last evaluated: 2023-03-30. Review status: criteria provided, single submitter. Criteria: ACMG Guidelines, 2015. Collection method: clinical testing. Allele origin: germline. Affected: yes.
Comment: This sequence change is predicted to replace proline with arginine at codon 911 of the COL4A4 protein, p.(Pro911Arg). The proline residue is moderately conserved (100 vertebrates, UCSC), and is located at the Y position in the G-X-Y collagen triple helix repeat in one of the intermediate collagenous domains. There is a large physicochemical difference between proline and arginine. The variant is present in a large population cohort at a frequency of 0.002%, consistent with recessive disease (rs764465049, 5/249,194 alleles, 0 homozygotes in gnomAD v2.1.1). It has not been previously reported in the relevant medical literature or databases. The variant has been identified in a suspected Alport syndrome case with a likely pathogenic COL4A4 variant (p.Ile29_Leu30del; Royal Melbourne Hospital). Multiple lines of computational evidence predict a deleterious effect for the missense substitution (5/6 algorithms). Based on the classification scheme RMH ACMG Guidelines v1.1.1, this variant is classified as a VARIANT of UNCERTAIN SIGNIFICANCE. Following criteria are met: PM2, PM3_Supporting, PP3.

NM_000092.5(COL4A4):c.2732C>G (p.Pro911Arg)

Gene: COL4A4 (collagen type IV alpha 4 chain; minus strand). Cytogenetic location: 2q36.3.
Variant type: single nucleotide variant.
Coding change: c.2732C>G on transcript NM_000092.5 (MANE Select); coding-DNA position 2732, C replaced by G.
Protein change: p.Pro911Arg; replaces proline 911 with arginine.
Molecular consequence: missense variant.
Genome position (GRCh38, 1-based): chr2:227,054,722, G>C on the plus strand (C>G on the coding strand, the complement: COL4A4 is on the minus strand). VCF-style: chr2-227054722-G-C. GRCh37 (hg19) VCF-style: chr2-227919438-G-C.
Other names: short protein forms P911R.
Identifiers: ClinVar variation 1678548 (VCV001678548.9), dbSNP rs764465049, ClinGen allele CA2144725.